The following is an entry in ClinVar:

NM_002292.4(LAMB2):c.1764C>T (p.Pro588=)

Gene: LAMB2 (laminin subunit beta 2; minus strand). Cytogenetic location: 3p21.31.
Variant type: single nucleotide variant.
Coding change: c.1764C>T on transcript NM_002292.4 (MANE Select); coding-DNA position 1764, C replaced by T.
Protein change: p.Pro588=; no amino-acid change (proline 588 retained).
Molecular consequence: synonymous variant.
Genome position (GRCh38, 1-based): chr3:49,128,787, G>A on the plus strand (C>T on the coding strand, the complement: LAMB2 is on the minus strand). VCF-style: chr3-49128787-G-A. GRCh37 (hg19) VCF-style: chr3-49166220-G-A.
Other names: p.Pro588=.
Identifiers: ClinVar variation 258600 (VCV000258600.26), dbSNP rs33942096, ClinGen allele CA2394499.

ClinVar aggregate classification (germline): Benign/Likely benign. Review status: criteria provided, multiple submitters, no conflicts (2 of 4 stars). 10 submissions from 9 submitters: Benign (9); Likely benign (1). Last evaluated 2026-02-01.

Conditions:
LAMB2-related infantile-onset nephrotic syndrome. Also called: Nephrotic Syndrome, type 5; NEPHROTIC SYNDROME, TYPE 5, WITHOUT OCULAR ABNORMALITIES; NEPHROTIC SYNDROME, TYPE 5, WITH OCULAR ABNORMALITIES. Identifiers: Orphanet 306507, MedGen C3280113, MONDO:0013621, OMIM 614199.
Pierson syndrome. Also called: MICROCORIA-CONGENITAL NEPHROTIC SYNDROME. Identifiers: Orphanet 2670, MedGen C1836876, MONDO:0012184, OMIM 609049.
Kidney disorder. Also called: Kidney disease; Kidney Diseases; renal disorder; Nephropathy; renal disease. Identifiers: MedGen C0022658, MONDO:0005240, HP:0000112.

Allele frequency attached by ClinVar (database versions not stated): 1000 Genomes Project 30x 0.00656; 1000 Genomes Project 0.00659; TOPMed 0.01448; gnomAD 0.01621 and 0.01677; gnomAD exomes 0.01650; ExAC 0.01711; ESP Exome Variant Server 0.01838.
gnomAD v4.1: 35,829 of 1,613,746 alleles (2.2%); highest among the groups gnomAD compares: Non-Finnish European, 2.7%; 463 homozygotes.

Submissions (10):

Labcorp Genetics (formerly Invitae), Labcorp
Classification: Benign for LAMB2-related infantile-onset nephrotic syndrome; Pierson syndrome. Last evaluated: 2026-02-01. Review status: criteria provided, single submitter. Criteria: Invitae Variant Classification Sherloc (09022015). Collection method: clinical testing. Allele origin: germline.

Blueprint Genetics
Classification: Likely benign. Last evaluated: 2024-11-26. Review status: criteria provided, single submitter. Criteria: ACMG Guidelines, 2015. Collection method: clinical testing. Allele origin: germline.

Mayo Clinic Laboratories, Mayo Clinic
Classification: Benign. Last evaluated: 2023-08-08. Review status: criteria provided, single submitter. Criteria: ACMG Guidelines, 2015. Collection method: clinical testing. Allele origin: germline. Observed: 27 variant alleles.
Comment: BS1, BS2, BP4, BP7

Fulgent Genetics
Classification: Benign for Pierson syndrome; LAMB2-related infantile-onset nephrotic syndrome. Last evaluated: 2022-01-25. Review status: criteria provided, single submitter. Criteria: ACMG Guidelines, 2015. Collection method: clinical testing. Allele origin: unknown.

GeneDx
Classification: Benign. Last evaluated: 2021-03-12. Review status: criteria provided, single submitter. Criteria: GeneDx Variant Classification Process June 2021. Collection method: clinical testing. Allele origin: germline. Affected: yes.
Comment: This variant is associated with the following publications: (PMID: 20556798)

Genome Diagnostics Laboratory, The Hospital for Sick Children
Classification: Benign for Kidney disorder. Last evaluated: 2018-10-01. Review status: criteria provided, single submitter. Criteria: ACMG Guidelines, 2015. Collection method: clinical testing. Allele origin: germline.

Illumina Laboratory Services, Illumina
Classification: Benign for LAMB2-related infantile-onset nephrotic syndrome. Last evaluated: 2018-01-12. Review status: criteria provided, single submitter. Criteria: ICSL Variant Classification Criteria 13 December 2019. Collection method: clinical testing. Allele origin: germline.
Comment: This variant was observed in the ICSL laboratory as part of a predisposition screen in an ostensibly healthy population. It had not been previously curated by ICSL or reported in the Human Gene Mutation Database (HGMD: prior to June 1st, 2018), and was therefore a candidate for classification through an automated scoring system. Utilizing variant allele frequency, disease prevalence and penetrance estimates, and inheritance mode, an automated score was calculated to assess if this variant is too frequent to cause the disease. Based on the score and internal cut-off values, a variant classified as benign is not then subjected to further curation. The score for this variant resulted in a classification of benign for this disease.

Illumina Laboratory Services, Illumina
Classification: Benign for Pierson syndrome. Last evaluated: 2018-01-12. Review status: criteria provided, single submitter. Criteria: ICSL Variant Classification Criteria 13 December 2019. Collection method: clinical testing. Allele origin: germline.
Comment: the same text as in the submission from Illumina Laboratory Services, Illumina above.

Breakthrough Genomics
Classification: Benign. Review status: criteria provided, single submitter. Criteria: ACMG Guidelines, 2015. Collection method: not provided. Allele origin: germline. Inheritance: Autosomal recessive inheritance. Affected: yes.

PreventionGenetics, part of Exact Sciences
Classification: Benign. Review status: criteria provided, single submitter. Criteria: ACMG Guidelines, 2015. Collection method: clinical testing. Allele origin: germline.